The following is an entry in ClinVar:

NM_001377.3(DYNC2H1):c.809del (p.Thr269_Leu270insTer)

Gene: DYNC2H1 (dynein cytoplasmic 2 heavy chain 1; plus strand). Cytogenetic location: 11q22.3.
Variant type: Deletion.
Coding change: c.809del on transcript NM_001377.3 (MANE Select); coding-DNA position 809, one base deleted (T; older notation c.809delT).
Protein change: p.Thr269_Leu270insTer.
Molecular consequence: nonsense.
Genome position (GRCh38, 1-based): chr11:103,117,673, T deleted; the last of 3 consecutive T bases (chr11:103,117,671-103,117,673); deleting any one gives the same sequence. VCF-style (leftmost placement, unchanged base first): chr11-103117670-CT-C. GRCh37 (hg19) VCF-style: chr11-102988399-CT-C.
Other names: c.809del, p.Thr269_Leu270insTer (NM_001080463.2).
Identifiers: ClinVar variation 5038011 (VCV005038011.2).

ClinVar aggregate classification (germline): Likely pathogenic (1 of 4 stars; one submission).

Conditions:
Asphyxiating thoracic dystrophy 3. Also called: POLYDACTYLY WITH NEONATAL CHONDRODYSTROPHY, TYPE I; SHORT-RIB THORACIC DYSPLASIA 3/6 WITH POLYDACTYLY, DIGENIC; SHORT-RIB THORACIC DYSPLASIA 3 WITH OR WITHOUT POLYDACTYLY; Saldino-Noonan Syndrome; Short rib polydactyly syndrome 2B. Identifiers: Orphanet 474, Orphanet 93269, Orphanet 93270, Orphanet 93271, MedGen C0036069, MONDO:0013127, OMIM 613091.

Submission:

Juno Genomics, Hangzhou Juno Genomics, Inc
Classification: Likely pathogenic for Asphyxiating thoracic dystrophy 3. Review status: criteria provided, single submitter. Criteria: ACMG Guidelines, 2015. Collection method: clinical testing. Allele origin: germline.
Comment: Null variant in a gene where loss of function (LOF) is a known mechanism of disease.;Absent from controls (or at extremely low frequency if recessive) in Genome Aggregation Database.